The following is an entry in ClinVar:

ClinVar aggregate classification (germline): Uncertain significance (1 of 4 stars; one submission).

Conditions:
BLVRA-related disorder. Also called: BLVRA-related condition.

Submission:

PreventionGenetics, part of Exact Sciences
Classification: Uncertain significance for BLVRA-related condition. Last evaluated: 2026-04-22. Review status: criteria provided, single submitter. Criteria: ACMG Guidelines, 2015. Collection method: clinical testing. Allele origin: germline.
Comment: The BLVRA c.769A>G variant is predicted to result in the amino acid substitution p.Ile257Val. To our knowledge, this variant has not been reported in the literature. This variant is reported in 0.0029% of alleles in individuals of Latino descent in gnomAD. At this time, the clinical significance of this variant is uncertain due to the absence of conclusive functional and genetic evidence.

NM_000712.4(BLVRA):c.769A>G (p.Ile257Val)

Gene: BLVRA (biliverdin reductase A; plus strand). Cytogenetic location: 7p13.
Variant type: single nucleotide variant.
Coding change: c.769A>G on transcript NM_000712.4 (MANE Select); coding-DNA position 769, A replaced by G.
Protein change: p.Ile257Val; replaces isoleucine 257 with valine.
Molecular consequence: missense variant.
Genome position (GRCh38, 1-based): chr7:43,807,113, A>G. VCF-style: chr7-43807113-A-G. GRCh37 (hg19) VCF-style: chr7-43846712-A-G.
Other names: c.769A>G, p.Ile257Val (NM_001253823.2); short protein forms I257V.
Identifiers: ClinVar variation 4987569 (VCV004987569.1).
Genomic context (GRCh38, chr7:43,807,113, plus strand): 5'-TCCTTGGAGAATGTGCCAAATGTAGGAGTGAATAAGAACATATTTCTGAAAGATCAAAAT[A>G]TATTTGTCCAGAAACTCTTGGGCCAGTTCTCTGAGAAGGAACTGGCTGCTGAAAAGAAAC-3'
Protein context (NP_000703.2, residues 247-267): NKNIFLKDQN[Ile257Val]FVQKLLGQFS